The following is an entry in ClinVar:

NM_021098.3(CACNA1H):c.3833C>G (p.Ser1278Cys)

Gene: CACNA1H (calcium voltage-gated channel subunit alpha1 H; plus strand). Cytogenetic location: 16p13.3.
Variant type: single nucleotide variant.
Coding change: c.3833C>G on transcript NM_021098.3 (MANE Select); coding-DNA position 3833, C replaced by G.
Protein change: p.Ser1278Cys; replaces serine 1278 with cysteine.
Molecular consequence: missense variant.
Genome position (GRCh38, 1-based): chr16:1,210,123, C>G. VCF-style: chr16-1210123-C-G. GRCh37 (hg19) VCF-style: chr16-1260123-C-G.
Other names: c.3833C>G, p.Ser1278Cys (NM_001005407.2); short protein forms S1278C.
Identifiers: ClinVar variation 2039136 (VCV002039136.5), dbSNP rs943386658, ClinGen allele CA276666179.

ClinVar aggregate classification (germline): Uncertain significance. Review status: criteria provided, multiple submitters, no conflicts (2 of 4 stars). 2 submissions from 2 submitters: Uncertain significance (2). Last evaluated 2024-06-03.

Conditions:
Hyperaldosteronism, familial, type IV (HALD4). Also called: FH IV; ALDOSTERONISM, PRIMARY, AND HYPERTENSION. Identifiers: Orphanet 642671, MedGen C4310756, MONDO:0014875, OMIM 617027.
Idiopathic generalized epilepsy. Also called: Generalised epilepsy; EIG. Identifiers: MedGen C0270850, MONDO:0005579, OMIM 600669.
Epilepsy, childhood absence, susceptibility to, 6. Identifiers: Orphanet 64280, MedGen C2749872, MONDO:0012763, OMIM 611942.

Allele frequency attached by ClinVar (database versions not stated): TOPMed 0.00001.
gnomAD v4.1: 15 of 1,557,232 alleles (0.00096%); highest among the groups gnomAD compares: Non-Finnish European, 0.0013%; no homozygotes.

Submissions (2):

Fulgent Genetics
Classification: Uncertain significance for Epilepsy, childhood absence, susceptibility to, 6; Hyperaldosteronism, familial, type IV. Last evaluated: 2024-06-03. Review status: criteria provided, single submitter. Criteria: ACMG Guidelines, 2015. Collection method: clinical testing. Allele origin: germline.

Labcorp Genetics (formerly Invitae), Labcorp
Classification: Uncertain significance for Idiopathic generalized epilepsy; Hyperaldosteronism, familial, type IV. Last evaluated: 2024-04-17. Review status: criteria provided, single submitter. Criteria: Invitae Variant Classification Sherloc (09022015). Collection method: clinical testing. Allele origin: germline.
Comment: This sequence change replaces serine, which is neutral and polar, with cysteine, which is neutral and slightly polar, at codon 1278 of the CACNA1H protein (p.Ser1278Cys). This variant is not present in population databases (gnomAD no frequency). This variant has not been reported in the literature in individuals affected with CACNA1H-related conditions. ClinVar contains an entry for this variant (Variation ID: 2039136). Advanced modeling of protein sequence and biophysical properties (such as structural, functional, and spatial information, amino acid conservation, physicochemical variation, residue mobility, and thermodynamic stability) performed at Invitae indicates that this missense variant is expected to disrupt CACNA1H protein function with a positive predictive value of 80%. In summary, the available evidence is currently insufficient to determine the role of this variant in disease. Therefore, it has been classified as a Variant of Uncertain Significance.